The following is an entry in ClinVar:

NM_001204.7(BMPR2):c.2346A>T (p.Lys782Asn)

Gene: BMPR2 (bone morphogenetic protein receptor type 2; plus strand). Cytogenetic location: 2q33.2.
Variant type: single nucleotide variant.
Coding change: c.2346A>T on transcript NM_001204.7 (MANE Select); coding-DNA position 2346, A replaced by T.
Protein change: p.Lys782Asn; replaces lysine 782 with asparagine.
Molecular consequence: missense variant.
Genome position (GRCh38, 1-based): chr2:202,556,011, A>T. VCF-style: chr2-202556011-A-T. GRCh37 (hg19) VCF-style: chr2-203420734-A-T.
Other names: short protein forms K782N.
Identifiers: ClinVar variation 3824756 (VCV003824756.1).
Genomic context (GRCh38, chr2:202,556,011, plus strand): 5'-CAAAAATTCAACAAAAGAGCCCCGGCTAAAATTTGGCAGCAAGCACAAATCAAACTTGAA[A>T]CAAGTCGAAACTGGAGTTGCCAAGATGAATACAATCAATGCAGCAGAACCTCATGTGGTG-3'
Protein context (NP_001195.2, residues 772-792): KFGSKHKSNL[Lys782Asn]QVETGVAKMN

ClinVar aggregate classification (germline): Uncertain significance (1 of 4 stars; one submission).

Conditions:
Inborn genetic diseases. Identifiers: MedGen C0950123, MeSH D030342.

Submission:

Ambry Genetics
Classification: Uncertain significance for Inborn genetic diseases. Last evaluated: 2024-12-20. Review status: criteria provided, single submitter. Criteria: Ambry Variant Classification Scheme 2023. Collection method: clinical testing. Allele origin: germline.
Comment: The p.K782N variant (also known as c.2346A>T), located in coding exon 12 of the BMPR2 gene, results from an A to T substitution at nucleotide position 2346. The lysine at codon 782 is replaced by asparagine, an amino acid with similar properties. This amino acid position is conserved. In addition, the in silico prediction for this alteration is inconclusive. Based on the available evidence, the clinical significance of this variant remains unclear.